The following is an entry in ClinVar:

ClinVar aggregate classification (germline): Uncertain significance (1 of 4 stars; one submission).

Conditions:
RYR1-related disorder. Also called: RYR1-related condition; RYR1-related disorders. Identifiers: MedGen CN239331.

Allele frequency attached by ClinVar (database versions not stated): gnomAD 0.00001; gnomAD exomes 0.00001 and 0.00004; ExAC 0.00004.
gnomAD v4.1: 14 of 1,613,946 alleles (0.00087%); highest among the groups gnomAD compares: South Asian, 0.014%; no homozygotes.

Submission:

Labcorp Genetics (formerly Invitae), Labcorp
Classification: Uncertain significance for RYR1-related disorder. Last evaluated: 2020-09-08. Review status: criteria provided, single submitter. Criteria: Invitae Variant Classification Sherloc (09022015). Collection method: clinical testing. Allele origin: germline.
Comment: In summary, the available evidence is currently insufficient to determine the role of this variant in disease. Therefore, it has been classified as a Variant of Uncertain Significance. This missense change is located in a region of the RYR1 protein where a significant number of previously reported RYR1 missense mutations are found (PMID: 16084090). These observations suggest that this may be a clinically significant region of the protein. Algorithms developed to predict the effect of missense changes on protein structure and function are either unavailable or do not agree on the potential impact of this missense change (SIFT: "Deleterious"; PolyPhen-2: "Not Available"; Align-GVGD: "Class C0"). This variant has not been reported in the literature in individuals with RYR1-related conditions. This variant is present in population databases (rs758162737, ExAC 0.02%). This sequence change replaces valine with alanine at codon 4629 of the RYR1 protein (p.Val4629Ala). The valine residue is highly conserved and there is a small physicochemical difference between valine and alanine.

Literature cited by the submitters: PubMed 16084090.

NM_000540.3(RYR1):c.13886T>C (p.Val4629Ala)

Gene: RYR1 (ryanodine receptor 1; plus strand). Cytogenetic location: 19q13.2.
Variant type: single nucleotide variant.
Coding change: c.13886T>C on transcript NM_000540.3 (MANE Select); coding-DNA position 13886, T replaced by C.
Protein change: p.Val4629Ala; replaces valine 4629 with alanine.
Molecular consequence: missense variant.
Genome position (GRCh38, 1-based): chr19:38,572,158, T>C. VCF-style: chr19-38572158-T-C. GRCh37 (hg19) VCF-style: chr19-39062798-T-C.
Other names: c.13871T>C, p.Val4624Ala (NM_001042723.2); short protein forms V4624A, V4629A.
Identifiers: ClinVar variation 1062840 (VCV001062840.9), dbSNP rs758162737, ClinGen allele CA060633.